The following is an entry in ClinVar:

ClinVar aggregate classification (germline): Likely benign (0 of 4 stars; one submission).

Conditions:
FOXD1-related disorder. Also called: FOXD1-related condition.

Allele frequency attached by ClinVar (database versions not stated): 1000 Genomes Project 30x 0.00172; 1000 Genomes Project 0.00180; gnomAD 0.00277; TOPMed 0.00283; ESP Exome Variant Server 0.00285; ExAC 0.00292; gnomAD exomes 0.00339.

Submission:

PreventionGenetics, part of Exact Sciences
Classification: Likely benign for FOXD1-related condition. Last evaluated: 2019-09-25. Review status: no assertion criteria provided. Collection method: clinical testing. Allele origin: germline.
Comment: This variant is classified as likely benign based on ACMG/AMP sequence variant interpretation guidelines (Richards et al. 2015 PMID: 25741868, with internal and published modifications).

NM_004472.3(FOXD1):c.612G>A (p.Glu204=)

Gene: FOXD1 (forkhead box D1; minus strand). Cytogenetic location: 5q13.2.
Variant type: single nucleotide variant.
Coding change: c.612G>A on transcript NM_004472.3 (MANE Select); coding-DNA position 612, G replaced by A.
Protein change: p.Glu204=; no amino-acid change (glutamic acid 204 retained).
Molecular consequence: synonymous variant.
Genome position (GRCh38, 1-based): chr5:73,447,751, C>T on the plus strand (G>A on the coding strand, the complement: FOXD1 is on the minus strand). VCF-style: chr5-73447751-C-T. GRCh37 (hg19) VCF-style: chr5-72743576-C-T.
Identifiers: ClinVar variation 3037186 (VCV003037186.2), dbSNP rs374511892, ClinGen allele CA3303048.